The following is an entry in ClinVar:

NM_001200.4(BMP2):c.812G>A (p.Gly271Glu)

Gene: BMP2 (bone morphogenetic protein 2; plus strand). Cytogenetic location: 20p12.3.
Variant type: single nucleotide variant.
Coding change: c.812G>A on transcript NM_001200.4 (MANE Select); coding-DNA position 812, G replaced by A.
Protein change: p.Gly271Glu; replaces glycine 271 with glutamic acid.
Molecular consequence: missense variant.
Genome position (GRCh38, 1-based): chr20:6,778,710, G>A. VCF-style: chr20-6778710-G-A. GRCh37 (hg19) VCF-style: chr20-6759357-G-A.
Other names: short protein forms G271E.
Identifiers: ClinVar variation 1308274 (VCV001308274.2), dbSNP rs2122391077, ClinGen allele CA408259164.

ClinVar aggregate classification (germline): Uncertain significance (1 of 4 stars; one submission).

Submission:

GeneDx
Classification: Uncertain significance. Last evaluated: 2019-03-28. Review status: criteria provided, single submitter. Criteria: GeneDx Variant Classification Process June 2021. Collection method: clinical testing. Allele origin: germline. Affected: yes.
Comment: Not observed in large population cohorts (Lek et al., 2016); In silico analysis, which includes protein predictors and evolutionary conservation, supports a deleterious effect; Has not been previously published as pathogenic or benign to our knowledge